The following is an entry in ClinVar:

NM_004484.4(GPC3):c.1692del (p.Leu565fs)

Gene: GPC3 (glypican 3; minus strand). Cytogenetic location: Xq26.2.
Variant type: Deletion.
Coding change: c.1692del on transcript NM_004484.4 (MANE Select); coding-DNA position 1692, one base deleted (T; older notation c.1692delT).
Protein change: p.Leu565fs; shifts the reading frame from leucine 565.
Molecular consequence: frameshift variant.
Genome position (GRCh38, 1-based): chrX:133,536,175, A deleted on the plus strand (T on the coding strand, the reverse complement: GPC3 is on the minus strand); the first of 2 consecutive A bases (chrX:133,536,175-133,536,176); deleting either gives the same sequence. VCF-style (leftmost placement, unchanged base first): chrX-133536174-GA-G. GRCh37 (hg19) VCF-style: chrX-132670202-GA-G.
Other names: c.1692delT (NM_004484.3); c.1761del, p.Leu588fs (NM_001164617.2); c.1644del, p.Leu549fs (NM_001164618.2); c.1530del, p.Leu511fs (NM_001164619.2); short protein forms L511fs, L549fs, L588fs, L565fs.
Identifiers: ClinVar variation 266113 (VCV000266113.3), dbSNP rs886039908, ClinGen allele CA10588992.

ClinVar aggregate classification (germline): Likely pathogenic (1 of 4 stars; one submission).

Conditions:
Simpson-Golabi-Behmel syndrome type 1 (SGBS1). Also called: GPC3-Related Simpson-Golabi-Behmel Syndrome Type 1; GOLABI-ROSEN SYNDROME; SIMPSON DYSMORPHIA SYNDROME; BULLDOG SYNDROME; DYSPLASIA GIGANTISM SYNDROME, X-LINKED. Identifiers: Orphanet 373, MedGen C0796154, MONDO:0020602, OMIM 312870.

Submission:

Diagnostics Division, CENTRE FOR DNA FINGERPRINTING AND DIAGNOSTICS
Classification: Likely pathogenic for Simpson-Golabi-Behmel syndrome type 1. Last evaluated: 2015-01-01. Review status: criteria provided, single submitter. Criteria: Submitter's publication. Collection method: research. Allele origin: germline. Affected: yes. Observed: 1 hemizygote.
Comment: Nonsense variant